The following is an entry in ClinVar:

ClinVar aggregate classification (germline): Uncertain significance (1 of 4 stars; one submission).

Conditions:
Inborn genetic diseases. Identifiers: MedGen C0950123, MeSH D030342.

Submission:

Ambry Genetics
Classification: Uncertain significance for Inborn genetic diseases. Last evaluated: 2025-02-02. Review status: criteria provided, single submitter. Criteria: Ambry Variant Classification Scheme 2023. Collection method: clinical testing. Allele origin: germline.
Comment: The p.E101K variant (also known as c.301G>A), located in coding exon 3 of the FANCG gene, results from a G to A substitution at nucleotide position 301. The glutamic acid at codon 101 is replaced by lysine, an amino acid with similar properties. This amino acid position is conserved. In addition, this alteration is predicted to be tolerated by in silico analysis. Based on the available evidence, the clinical significance of this variant remains unclear.

NM_004629.2(FANCG):c.301G>A (p.Glu101Lys)

Gene: FANCG (FA complementation group G; minus strand). Cytogenetic location: 9p13.3.
Variant type: single nucleotide variant.
Coding change: c.301G>A on transcript NM_004629.2 (MANE Select); coding-DNA position 301, G replaced by A.
Protein change: p.Glu101Lys; replaces glutamic acid 101 with lysine.
Molecular consequence: missense variant.
Genome position (GRCh38, 1-based): chr9:35,078,611, C>T on the plus strand (G>A on the coding strand, the complement: FANCG is on the minus strand). VCF-style: chr9-35078611-C-T. GRCh37 (hg19) VCF-style: chr9-35078608-C-T.
Other names: short protein forms E101K.
Identifiers: ClinVar variation 3848427 (VCV003848427.1).